The following is an entry in ClinVar:

NM_213599.3(ANO5):c.1671C>T (p.Thr557=)

Gene: ANO5 (anoctamin 5; plus strand). Cytogenetic location: 11p14.3.
Variant type: single nucleotide variant.
Coding change: c.1671C>T on transcript NM_213599.3 (MANE Select); coding-DNA position 1671, C replaced by T.
Protein change: p.Thr557=; no amino-acid change (threonine 557 retained).
Molecular consequence: synonymous variant.
Genome position (GRCh38, 1-based): chr11:22,262,169, C>T. VCF-style: chr11-22262169-C-T. GRCh37 (hg19) VCF-style: chr11-22283715-C-T.
Other names: c.1668C>T, p.Thr556= (NM_001142649.2); c.1629C>T, p.Thr543= (NM_001410963.1); c.1626C>T, p.Thr542= (NM_001410964.1).
Identifiers: ClinVar variation 2927310 (VCV002927310.4), dbSNP rs1029543909, ClinGen allele CA218767948.
Genomic context (GRCh38, chr11:22,262,169, plus strand): 5'-ATTTTTTTTTAACTTAACAGAAATTCCTCGAACATACCAGGAGTATGAGAGCAGTCTTAC[C>T]TTGAAAATGTTCCTGTTTCAGTTTGTAAATTTTTACTCATCCTGCTTCTACGTAGCTTTC-3'
Protein context (NP_998764.1, residues 547-567): RTYQEYESSL[Thr557=]LKMFLFQFVN

ClinVar aggregate classification (germline): Conflicting classifications of pathogenicity. Review status: criteria provided, conflicting classifications (1 of 4 stars). 2 submissions from 2 submitters: Uncertain significance (1); Likely benign (1). Last evaluated 2024-05-19.

Conditions:
Autosomal recessive limb-girdle muscular dystrophy type 2L (LGMDR12). Also called: Limb-Girdle Muscular Dystrophy R12 Anoctamin-5-Related (LGMD-R12); MUSCULAR DYSTROPHY, LIMB-GIRDLE, AUTOSOMAL RECESSIVE 12; Limb-girdle muscular dystrophy, type 2L. Identifiers: Orphanet 206549, MedGen C1969785, MONDO:0012652, OMIM 611307.
Gnathodiaphyseal dysplasia (GDD). Also called: GNATHODIAPHYSEAL SCLEROSIS; OSTEOGENESIS IMPERFECTA WITH UNUSUAL SKELETAL LESIONS. Identifiers: Orphanet 53697, MedGen C1833736, MONDO:0008151, OMIM 166260.

Allele frequency attached by ClinVar (database versions not stated): gnomAD exomes below 0.00001.
gnomAD v4.1: 2 of 1,613,932 alleles (0.00012%); highest among the groups gnomAD compares: Admixed American, 0.0017%; no homozygotes.

Submissions (2):

Labcorp Genetics (formerly Invitae), Labcorp
Classification: Likely benign for Autosomal recessive limb-girdle muscular dystrophy type 2L; Gnathodiaphyseal dysplasia. Last evaluated: 2024-05-19. Review status: criteria provided, single submitter. Criteria: Invitae Variant Classification Sherloc (09022015). Collection method: clinical testing. Allele origin: germline.

Athena Diagnostics
Classification: Uncertain significance. Last evaluated: 2024-03-05. Review status: criteria provided, single submitter. Criteria: Athena Diagnostics Criteria. Collection method: clinical testing. Allele origin: unknown.
Comment: Available data are insufficient to determine the clinical significance of the variant at this time. This variant has not been reported in large, multi-ethnic general populations. Computational tools yielded predictions that this variant is unlikely to have an effect on normal RNA splicing.